The following is an entry in ClinVar:

ClinVar aggregate classification (germline): Pathogenic (1 of 4 stars; one submission).

Submission:

Labcorp Genetics (formerly Invitae), Labcorp
Classification: Pathogenic. Last evaluated: 2023-05-21. Review status: criteria provided, single submitter. Criteria: Invitae Variant Classification Sherloc (09022015). Collection method: clinical testing. Allele origin: unknown.
Comment: For these reasons, this variant has been classified as Pathogenic. This variant has not been reported in the literature in individuals affected with ERCC6-related conditions. This variant is a gross deletion of the genomic region encompassing exon(s) 19 of the ERCC6 gene. This deletion is out-of-frame, and is expected to create a premature termination codon and result in an absent or disrupted protein product. Loss-of-function variants in ERCC6 are known to be pathogenic (PMID: 18628313, 29572252).

Literature cited by the submitters: PubMed 18628313; PubMed 29572252.

NC_000010.10:g.(?_50669378)_(50669622_?)del

Gene: ERCC6 (ERCC excision repair 6, chromatin remodeling factor; minus strand). Cytogenetic location: 10q11.23.
Variant type: Deletion.
Identifiers: ClinVar variation 3244925 (VCV003244925.1).